The following is an entry in ClinVar:

ClinVar aggregate classification (germline): Uncertain significance (1 of 4 stars; one submission).

Allele frequency attached by ClinVar (database versions not stated): TOPMed below 0.00001.

Submission:

Labcorp Genetics (formerly Invitae), Labcorp
Classification: Uncertain significance. Last evaluated: 2022-07-25. Review status: criteria provided, single submitter. Criteria: Invitae Variant Classification Sherloc (09022015). Collection method: clinical testing. Allele origin: germline.
Comment: This sequence change replaces alanine, which is neutral and non-polar, with valine, which is neutral and non-polar, at codon 191 of the LZTR1 protein (p.Ala191Val). In summary, the available evidence is currently insufficient to determine the role of this variant in disease. Therefore, it has been classified as a Variant of Uncertain Significance. Algorithms developed to predict the effect of missense changes on protein structure and function (SIFT, PolyPhen-2, Align-GVGD) all suggest that this variant is likely to be disruptive. This variant has not been reported in the literature in individuals affected with LZTR1-related conditions. This variant is not present in population databases (gnomAD no frequency).

NM_006767.4(LZTR1):c.572C>T (p.Ala191Val)

Gene: LZTR1 (leucine zipper like post translational regulator 1; plus strand). Cytogenetic location: 22q11.21.
Variant type: single nucleotide variant.
Coding change: c.572C>T on transcript NM_006767.4 (MANE Select); coding-DNA position 572, C replaced by T.
Protein change: p.Ala191Val; replaces alanine 191 with valine.
Molecular consequence: missense variant.
Genome position (GRCh38, 1-based): chr22:20,988,851, C>T. VCF-style: chr22-20988851-C-T. GRCh37 (hg19) VCF-style: chr22-21343140-C-T.
Other names: short protein forms A191V.
Identifiers: ClinVar variation 1981943 (VCV001981943.4), dbSNP rs1924497706, ClinGen allele CA410780209.